The following is an entry in ClinVar:

ClinVar aggregate classification (germline): Pathogenic (1 of 4 stars; one submission).

Submission:

Labcorp Genetics (formerly Invitae), Labcorp
Classification: Pathogenic. Last evaluated: 2024-04-25. Review status: criteria provided, single submitter. Criteria: Invitae Variant Classification Sherloc (09022015). Collection method: clinical testing. Allele origin: germline.
Comment: This sequence change creates a premature translational stop signal (p.Leu307*) in the LZTR1 gene. It is expected to result in an absent or disrupted protein product. Loss-of-function variants in LZTR1 are known to be pathogenic (PMID: 24362817, 25335493, 25480913, 25795793, 29469822, 30368668, 30442762, 30442766, 30481304, 30859559). Information on the frequency of this variant in the gnomAD database is not available, as this variant may be reported differently in the database. This variant has not been reported in the literature in individuals affected with LZTR1-related conditions. For these reasons, this variant has been classified as Pathogenic.

Literature cited by the submitters: PubMed 24362817; PubMed 25335493; PubMed 25480913; PubMed 25795793; PubMed 29469822; PubMed 30368668; PubMed 30442762; PubMed 30442766; PubMed 30481304; PubMed 30859559.

NM_006767.4(LZTR1):c.919_920delinsTA (p.Leu307Ter)

Gene: LZTR1 (leucine zipper like post translational regulator 1; plus strand). Cytogenetic location: 22q11.21.
Variant type: Indel.
Coding change: c.919_920delinsTA on transcript NM_006767.4 (MANE Select); coding-DNA positions 919 to 920, CT replaced by TA.
Protein change: p.Leu307Ter; replaces leucine 307 with a stop codon.
Molecular consequence: nonsense.
Genome position (GRCh38, 1-based): chr22:20,991,755-20,991,756, CT replaced by TA. VCF-style: chr22-20991755-CT-TA. GRCh37 (hg19) VCF-style: chr22-21346044-CT-TA.
Other names: short protein forms L307*.
Identifiers: ClinVar variation 3650865 (VCV003650865.2).